The following is an entry in ClinVar:

ClinVar aggregate classification (germline): Uncertain significance (1 of 4 stars; one submission).

gnomAD v4.1: 2 of 1,596,326 alleles (0.00013%); highest among the groups gnomAD compares: Non-Finnish European, 0.00017%; no homozygotes.

Submission:

Women's Health and Genetics/Laboratory Corporation of America, LabCorp
Classification: Uncertain significance. Last evaluated: 2025-06-02. Review status: criteria provided, single submitter. Criteria: LabCorp Variant Classification Summary - May 2015. Collection method: clinical testing. Allele origin: germline.
Comment: Variant summary: TNXB c.659G>C (p.Gly220Ala) results in a non-conservative amino acid change in the encoded protein sequence. Algorithms developed to predict the effect of missense changes on protein structure and function are either unavailable or do not agree on the potential impact of this missense change. The variant was absent in 212952 control chromosomes. The available data on variant occurrences in the general population are insufficient to allow any conclusion about variant significance. To our knowledge, no occurrence of c.659G>C in individuals affected with Ehlers-Danlos syndrome due to tenascin-X deficiency and no experimental evidence demonstrating its impact on protein function have been reported. No submitters have cited clinical-significance assessments for this variant to ClinVar. Based on the evidence outlined above, the variant was classified as uncertain significance.

NM_001365276.2(TNXB):c.659G>C (p.Gly220Ala)

Gene: TNXB (tenascin XB; minus strand). Cytogenetic location: 6p21.33.
Variant type: single nucleotide variant.
Coding change: c.659G>C on transcript NM_001365276.2 (MANE Select); coding-DNA position 659, G replaced by C.
Protein change: p.Gly220Ala; replaces glycine 220 with alanine.
Molecular consequence: missense variant.
Genome position (GRCh38, 1-based): chr6:32,097,194, C>G on the plus strand (G>C on the coding strand, the complement: TNXB is on the minus strand). VCF-style: chr6-32097194-C-G. GRCh37 (hg19) VCF-style: chr6-32064971-C-G.
Other names: c.659G>C, p.Gly220Ala (NM_001428335.1, NM_019105.8); short protein forms G220A.
Identifiers: ClinVar variation 3907465 (VCV003907465.1).